The following is an entry in ClinVar:

NM_006506.5(RASA2):c.587C>T (p.Thr196Ile)

Gene: RASA2 (RAS p21 protein activator 2; plus strand). Cytogenetic location: 3q23.
Variant type: single nucleotide variant.
Coding change: c.587C>T on transcript NM_006506.5 (MANE Select); coding-DNA position 587, C replaced by T.
Protein change: p.Thr196Ile; replaces threonine 196 with isoleucine.
Molecular consequence: missense variant.
Genome position (GRCh38, 1-based): chr3:141,553,916, C>T. VCF-style: chr3-141553916-C-T. GRCh37 (hg19) VCF-style: chr3-141272758-C-T.
Other names: c.587C>T, p.Thr196Ile (NM_001303245.3, NM_001303246.3); short protein forms T196I.
Identifiers: ClinVar variation 2496761 (VCV002496761.4), dbSNP rs763205866, ClinGen allele CA2645247.

ClinVar aggregate classification (germline): Uncertain significance. Review status: criteria provided, multiple submitters, no conflicts (2 of 4 stars). 2 submissions from 2 submitters: Uncertain significance (2). Last evaluated 2024-10-31.

Allele frequency attached by ClinVar (database versions not stated): ExAC 0.00001; gnomAD 0.00001; gnomAD exomes 0.00001; TOPMed 0.00001.
gnomAD v4.1: 13 of 1,612,254 alleles (0.00081%); no homozygotes.

Submissions (2):

Labcorp Genetics (formerly Invitae), Labcorp
Classification: Uncertain significance. Last evaluated: 2024-10-31. Review status: criteria provided, single submitter. Criteria: Invitae Variant Classification Sherloc (09022015). Collection method: clinical testing. Allele origin: germline.
Comment: This sequence change replaces threonine, which is neutral and polar, with isoleucine, which is neutral and non-polar, at codon 196 of the RASA2 protein (p.Thr196Ile). This variant is present in population databases (rs763205866, gnomAD 0.04%). This variant has not been reported in the literature in individuals affected with RASA2-related conditions. ClinVar contains an entry for this variant (Variation ID: 2496761). Invitae Evidence Modeling of protein sequence and biophysical properties (such as structural, functional, and spatial information, amino acid conservation, physicochemical variation, residue mobility, and thermodynamic stability) indicates that this missense variant is not expected to disrupt RASA2 protein function with a negative predictive value of 80%. Algorithms developed to predict the effect of sequence changes on RNA splicing suggest that this variant may disrupt the consensus splice site. In summary, the available evidence is currently insufficient to determine the role of this variant in disease. Therefore, it has been classified as a Variant of Uncertain Significance.

Ambry Genetics
Classification: Uncertain significance. Last evaluated: 2022-11-27. Review status: criteria provided, single submitter. Criteria: Ambry Variant Classification Scheme 2023. Collection method: clinical testing. Allele origin: germline.
Comment: The p.T196I variant (also known as c.587C>T), located in coding exon 6 of the RASA2 gene, results from a C to T substitution at nucleotide position 587. The threonine at codon 196 is replaced by isoleucine, an amino acid with similar properties. This amino acid position is conserved. In addition, the in silico prediction for this alteration is inconclusive. Since supporting evidence is limited at this time, the clinical significance of this alteration remains unclear.